The following is an entry in ClinVar:

NM_005337.5(NCKAP1L):c.1636C>T (p.Arg546Cys)

Gene: NCKAP1L (NCK associated protein 1 like; plus strand). Cytogenetic location: 12q13.2.
Variant type: single nucleotide variant.
Coding change: c.1636C>T on transcript NM_005337.5 (MANE Select); coding-DNA position 1636, C replaced by T.
Protein change: p.Arg546Cys; replaces arginine 546 with cysteine.
Molecular consequence: missense variant.
Genome position (GRCh38, 1-based): chr12:54,520,704, C>T. VCF-style: chr12-54520704-C-T. GRCh37 (hg19) VCF-style: chr12-54914488-C-T.
Other names: c.1486C>T, p.Arg496Cys (NM_001184976.2); short protein forms R496C, R546C.
Identifiers: ClinVar variation 2138549 (VCV002138549.3), dbSNP rs367688748, ClinGen allele CA6609226.

ClinVar aggregate classification (germline): Uncertain significance. Review status: criteria provided, multiple submitters, no conflicts (2 of 4 stars). 2 submissions from 2 submitters: Uncertain significance (2). Last evaluated 2026-04-15.

Allele frequency attached by ClinVar (database versions not stated): TOPMed 0.00008; gnomAD 0.00011; gnomAD exomes 0.00019; ExAC 0.00001; ESP Exome Variant Server 0.00008.
gnomAD v4.1: 301 of 1,614,048 alleles (0.019%); highest among the groups gnomAD compares: Non-Finnish European, 0.023%; no homozygotes.

Submissions (2):

Women's Health and Genetics/Laboratory Corporation of America, LabCorp
Classification: Uncertain significance. Last evaluated: 2026-04-15. Review status: criteria provided, single submitter. Criteria: LabCorp Variant Classification Summary - May 2015. Collection method: clinical testing. Allele origin: germline.

Labcorp Genetics (formerly Invitae), Labcorp
Classification: Uncertain significance. Last evaluated: 2025-12-17. Review status: criteria provided, single submitter. Criteria: Invitae Variant Classification Sherloc (09022015). Collection method: clinical testing. Allele origin: germline.
Comment: This sequence change replaces arginine, which is basic and polar, with cysteine, which is neutral and slightly polar, at codon 546 of the NCKAP1L protein (p.Arg546Cys). This variant is present in population databases (rs367688748, gnomAD 0.01%). This variant has not been reported in the literature in individuals affected with NCKAP1L-related conditions. ClinVar contains an entry for this variant (Variation ID: 2138549). An algorithm developed to predict the effect of missense changes on protein structure and function (PolyPhen-2) suggests that this variant is likely to be disruptive. In summary, the available evidence is currently insufficient to determine the role of this variant in disease. Therefore, it has been classified as a Variant of Uncertain Significance.